The following is an entry in ClinVar:

NM_176869.3(PPA2):c.407A>G (p.Lys136Arg)

Gene: PPA2 (inorganic pyrophosphatase 2; minus strand). Cytogenetic location: 4q24.
Variant type: single nucleotide variant.
Coding change: c.407A>G on transcript NM_176869.3 (MANE Select); coding-DNA position 407, A replaced by G.
Protein change: p.Lys136Arg; replaces lysine 136 with arginine.
Molecular consequence: missense variant. On other transcripts: intron variant (2).
Genome position (GRCh38, 1-based): chr4:105,446,417, T>C on the plus strand (A>G on the coding strand, the complement: PPA2 is on the minus strand). VCF-style: chr4-105446417-T-C. GRCh37 (hg19) VCF-style: chr4-106367574-T-C.
Other names: c.407A>G, p.Lys136Arg (NM_006903.4); c.157+27477A>G (NM_176867.3); c.222+10264A>G (NM_176866.2); short protein forms K136R.
Identifiers: ClinVar variation 2044130 (VCV002044130.4), dbSNP rs1722387350, ClinGen allele CA357802333.

ClinVar aggregate classification (germline): Uncertain significance (1 of 4 stars; one submission).

Allele frequency attached by ClinVar (database versions not stated): gnomAD exomes below 0.00001.
gnomAD v4.1: 1 of 1,605,404 alleles (0.000062%); highest among the groups gnomAD compares: East Asian, 0.0023%; no homozygotes.

Submission:

Labcorp Genetics (formerly Invitae), Labcorp
Classification: Uncertain significance. Last evaluated: 2023-07-17. Review status: criteria provided, single submitter. Criteria: Invitae Variant Classification Sherloc (09022015). Collection method: clinical testing. Allele origin: germline.
Comment: In summary, the available evidence is currently insufficient to determine the role of this variant in disease. Therefore, it has been classified as a Variant of Uncertain Significance. Advanced modeling of protein sequence and biophysical properties (such as structural, functional, and spatial information, amino acid conservation, physicochemical variation, residue mobility, and thermodynamic stability) performed at Invitae indicates that this missense variant is not expected to disrupt PPA2 protein function. ClinVar contains an entry for this variant (Variation ID: 2044130). This variant has not been reported in the literature in individuals affected with PPA2-related conditions. This variant is not present in population databases (gnomAD no frequency). This sequence change replaces lysine, which is basic and polar, with arginine, which is basic and polar, at codon 136 of the PPA2 protein (p.Lys136Arg).